The following is an entry in ClinVar:

ClinVar aggregate classification (germline): Benign/Likely benign. Review status: criteria provided, multiple submitters, no conflicts (2 of 4 stars). 3 submissions from 3 submitters: Benign (2); Likely benign (1). Last evaluated 2023-03-01.

Allele frequency attached by ClinVar (database versions not stated): gnomAD exomes 0.00030 and 0.00047; ExAC 0.00058; 1000 Genomes Project 0.00120; 1000 Genomes Project 30x 0.00141; gnomAD 0.00151 and 0.00164; TOPMed 0.00165; ESP Exome Variant Server 0.00192.
gnomAD v4.1: 675 of 1,614,022 alleles (0.042%); highest among the groups gnomAD compares: African/African-American, 0.5%; no homozygotes.

Submissions (3):

CeGaT Center for Human Genetics Tuebingen
Classification: Likely benign. Last evaluated: 2023-03-01. Review status: criteria provided, single submitter. Criteria: CeGaT Center For Human Genetics Tuebingen Variant Classification Criteria Version 2. Collection method: clinical testing. Allele origin: germline. Affected: yes. Observed: 1 variant allele.
Comment: TTI1: BP4, BP7

Labcorp Genetics (formerly Invitae), Labcorp
Classification: Benign. Last evaluated: 2018-04-17. Review status: criteria provided, single submitter. Criteria: Invitae Variant Classification Sherloc (09022015). Collection method: clinical testing. Allele origin: germline.

Breakthrough Genomics
Classification: Benign. Review status: criteria provided, single submitter. Criteria: ACMG Guidelines, 2015. Collection method: not provided. Allele origin: germline. Inheritance: Unknown mechanism. Affected: yes.

NM_001303457.2(TTI1):c.1626C>T (p.His542=)

Gene: TTI1 (TELO2 interacting protein 1; minus strand). Cytogenetic location: 20q11.23.
Variant type: single nucleotide variant.
Coding change: c.1626C>T on transcript NM_001303457.2 (MANE Select); coding-DNA position 1626, C replaced by T.
Protein change: p.His542=; no amino-acid change (histidine 542 retained).
Molecular consequence: synonymous variant.
Genome position (GRCh38, 1-based): chr20:38,012,191, G>A on the plus strand (C>T on the coding strand, the complement: TTI1 is on the minus strand). VCF-style: chr20-38012191-G-A. GRCh37 (hg19) VCF-style: chr20-36640593-G-A.
Other names: c.1626C>T, p.His542= (NM_014657.3).
Identifiers: ClinVar variation 719835 (VCV000719835.28), dbSNP rs41305809, ClinGen allele CA9849432.